The following is an entry in ClinVar:

NM_000069.3(CACNA1S):c.4841G>A (p.Arg1614Lys)

Gene: CACNA1S (calcium voltage-gated channel subunit alpha1 S; minus strand). Cytogenetic location: 1q32.1.
Variant type: single nucleotide variant.
Coding change: c.4841G>A on transcript NM_000069.3 (MANE Select); coding-DNA position 4841, G replaced by A.
Protein change: p.Arg1614Lys; replaces arginine 1614 with lysine.
Molecular consequence: missense variant.
Genome position (GRCh38, 1-based): chr1:201,043,488, C>T on the plus strand (G>A on the coding strand, the complement: CACNA1S is on the minus strand). VCF-style: chr1-201043488-C-T. GRCh37 (hg19) VCF-style: chr1-201012616-C-T.
Other names: short protein forms R1614K.
Identifiers: ClinVar variation 3576752 (VCV003576752.2).

ClinVar aggregate classification (germline): Uncertain significance. Review status: criteria provided, multiple submitters, no conflicts (2 of 4 stars). 2 submissions from 2 submitters: Uncertain significance (2). Last evaluated 2024-01-15.

Conditions:
Malignant hyperthermia, susceptibility to, 5 (MHS5). Also called: CACNA1S-Related Malignant Hyperthermia Susceptibility. Identifiers: Orphanet 423, MedGen C1866077, MONDO:0011163, OMIM 601887.
Hypokalemic periodic paralysis, type 1. Also called: Hypokalemic Periodic Paralysis Type 1 (AD); HypoPP. Identifiers: Orphanet 681, MedGen C3714580, MONDO:0042979, OMIM 170400.
Congenital myopathy 18. Also called: Myopathy, congenital, due to dihydropyridine receptor defect; DIHYDROPYRIDINE RECEPTOR CONGENITAL MYOPATHY; DHPR CONGENITAL MYOPATHY. Identifiers: MedGen C5830283, MONDO:0859514, OMIM 620246.
Thyrotoxic periodic paralysis, susceptibility to, 1 (TTPP1). Identifiers: Orphanet 79102, MedGen C2749982, MONDO:0008570, OMIM 188580.

gnomAD v4.1: 6 of 1,613,868 alleles (0.00037%); highest among the groups gnomAD compares: Admixed American, 0.01%; no homozygotes.

Submissions (2):

Fulgent Genetics
Classification: Uncertain significance for Hypokalemic periodic paralysis, type 1; Thyrotoxic periodic paralysis, susceptibility to, 1; Malignant hyperthermia, susceptibility to, 5; Congenital myopathy 18. Last evaluated: 2024-01-15. Review status: criteria provided, single submitter. Criteria: ACMG Guidelines, 2015. Collection method: clinical testing. Allele origin: germline.

Color Diagnostics, LLC DBA Color Health
Classification: Uncertain significance for Malignant hyperthermia, susceptibility to, 5. Last evaluated: 2023-10-05. Review status: criteria provided, single submitter. Criteria: ACMG Guidelines, 2015. Collection method: clinical testing. Allele origin: germline.
Comment: This missense variant replaces arginine with lysine at codon 1614 of the CACNA1S protein. Computational prediction suggests that this variant may not impact protein structure and function. To our knowledge, functional studies have not been reported for this variant. This variant has not been reported in individuals affected with CACNA1S-related disorders in the literature. This variant has been identified in 5/251184 chromosomes in the general population by the Genome Aggregation Database (gnomAD). The available evidence is insufficient to determine the role of this variant in disease conclusively. Therefore, this variant is classified as a Variant of Uncertain Significance.